The following is an entry in ClinVar:

ClinVar aggregate classification (germline): Uncertain significance (1 of 4 stars; one submission).

Submission:

Ambry Genetics
Classification: Uncertain significance. Last evaluated: 2025-05-29. Review status: criteria provided, single submitter. Criteria: Ambry Variant Classification Scheme 2023. Collection method: clinical testing. Allele origin: germline.
Comment: The p.M820I variant (also known as c.2460G>A), located in coding exon 13 of the GEN1 gene, results from a G to A substitution at nucleotide position 2460. The methionine at codon 820 is replaced by isoleucine, an amino acid with highly similar properties. This amino acid position is conserved. In addition, this alteration is predicted to be tolerated by in silico analysis. Based on the available evidence, the clinical significance of this variant remains unclear.

NM_001130009.3(GEN1):c.2460G>A (p.Met820Ile)

Gene: GEN1 (GEN1 Holliday junction 5' flap endonuclease; plus strand). Cytogenetic location: 2p24.2.
Variant type: single nucleotide variant.
Coding change: c.2460G>A on transcript NM_001130009.3 (MANE Select); coding-DNA position 2460, G replaced by A.
Protein change: p.Met820Ile; replaces methionine 820 with isoleucine.
Molecular consequence: missense variant.
Genome position (GRCh38, 1-based): chr2:17,781,672, G>A. VCF-style: chr2-17781672-G-A. GRCh37 (hg19) VCF-style: chr2-17962939-G-A.
Other names: c.2460G>A, p.Met820Ile (NM_182625.5); short protein forms M820I.
Identifiers: ClinVar variation 4029320 (VCV004029320.1).